The following is an entry in ClinVar:

ClinVar aggregate classification (germline): Likely benign. Review status: criteria provided, multiple submitters, no conflicts (2 of 4 stars). 3 submissions from 3 submitters: Likely benign (2). 1 of the submissions does not count toward it. Last evaluated 2025-09-16.

Conditions:
SNRNP200-related disorder. Also called: SNRNP200-related condition.

Allele frequency attached by ClinVar (database versions not stated): ExAC 0.00012; gnomAD exomes 0.00012 and 0.00019; gnomAD 0.00014 and 0.00015; ESP Exome Variant Server 0.00015; TOPMed 0.00015.
gnomAD v4.1: 293 of 1,614,048 alleles (0.018%); highest among the groups gnomAD compares: Non-Finnish European, 0.023%; no homozygotes.

Submissions (3):

Labcorp Genetics (formerly Invitae), Labcorp
Classification: Likely benign. Last evaluated: 2025-09-16. Review status: criteria provided, single submitter. Criteria: Invitae Variant Classification Sherloc (09022015). Collection method: clinical testing. Allele origin: germline.

Blueprint Genetics
Classification: Likely benign. Last evaluated: 2024-04-16. Review status: criteria provided, single submitter. Criteria: ACMG Guidelines, 2015. Collection method: clinical testing. Allele origin: germline.

PreventionGenetics, part of Exact Sciences
Classification: Likely benign for SNRNP200-related condition. Last evaluated: 2020-07-30. Review status: no assertion criteria provided. Collection method: clinical testing. Allele origin: germline. Not counted in ClinVar's aggregate classification.
Comment: This variant is classified as likely benign based on ACMG/AMP sequence variant interpretation guidelines (Richards et al. 2015 PMID: 25741868, with internal and published modifications).

NM_014014.5(SNRNP200):c.3735C>T (p.Tyr1245=)

Gene: SNRNP200 (small nuclear ribonucleoprotein U5 subunit 200; minus strand). Cytogenetic location: 2q11.2.
Variant type: single nucleotide variant.
Coding change: c.3735C>T on transcript NM_014014.5 (MANE Select); coding-DNA position 3735, C replaced by T.
Protein change: p.Tyr1245=; no amino-acid change (tyrosine 1245 retained).
Molecular consequence: synonymous variant.
Genome position (GRCh38, 1-based): chr2:96,286,782, G>A on the plus strand (C>T on the coding strand, the complement: SNRNP200 is on the minus strand). VCF-style: chr2-96286782-G-A. GRCh37 (hg19) VCF-style: chr2-96952520-G-A.
Identifiers: ClinVar variation 721552 (VCV000721552.11), dbSNP rs376498861, ClinGen allele CA1778392.